The following is an entry in ClinVar:

NM_007294.4(BRCA1):c.231G>A (p.Thr77=)

Gene: BRCA1 (BRCA1 DNA repair associated; minus strand). Cytogenetic location: 17q21.31.
Variant type: single nucleotide variant.
Coding change: c.231G>A on transcript NM_007294.4 (MANE Select); coding-DNA position 231, G replaced by A.
Protein change: p.Thr77=; no amino-acid change (threonine 77 retained).
Molecular consequence: synonymous variant. On other transcripts: 5 prime UTR variant (7), intron variant (2).
Genome position (GRCh38, 1-based): chr17:43,104,938, C>T on the plus strand (G>A on the coding strand, the complement: BRCA1 is on the minus strand). VCF-style: chr17-43104938-C-T. GRCh37 (hg19) VCF-style: chr17-41256955-C-T.
Other names: c.21G>A, p.Thr7= (NM_001407899.1, NM_001407900.1, NM_001407902.1 and 58 more transcripts); c.231G>A, p.Thr77= (NM_001407919.1, NM_001407937.1, NM_001407938.1 and 168 more transcripts); c.90G>A, p.Thr30= (NM_001407920.1, NM_001407921.1, NM_001407922.1 and 99 more transcripts); c.-151G>A (NM_001407959.1, NM_001407960.1, NM_001407962.1 and 4 more transcripts); c.153G>A, p.Thr51= (NM_001408409.1, NM_001408411.1, NM_001408412.1 and 21 more transcripts); c.99G>A, p.Thr33= (NM_001408451.1); c.-218-10078G>A (NM_001407967.1, NM_001407966.1).
Identifiers: ClinVar variation 142611 (VCV000142611.28), dbSNP rs80356847, ClinGen allele CA001546.

ClinVar aggregate classification (germline): Likely benign. Review status: reviewed by expert panel (3 of 4 stars). 9 submissions from 9 submitters: Likely benign (1). 8 of the submissions do not count toward it. Last evaluated 2017-06-29.

Conditions:
BRCA1-related cancer predisposition. Identifiers: MedGen CN377757, MONDO:0700268.
Breast and/or ovarian cancer. Identifiers: MedGen CN221562.
Hereditary cancer-predisposing syndrome. Also called: Tumor predisposition; Hereditary neoplastic syndrome; Hereditary Cancer Syndrome; Neoplastic Syndromes, Hereditary. Identifiers: Orphanet 140162, MedGen C0027672, MeSH D009386, MONDO:0015356.
Hereditary breast ovarian cancer syndrome. Also called: Hereditary breast and/or ovarian cancer syndrome; Breast and ovarian cancer; Hereditary breast and ovarian cancer syndrome; Hereditary breast and ovarian cancer; Hereditary breast and ovarian cancer syndrome (HBOC); BRCA1- and BRCA2-Associated Hereditary Breast and Ovarian Cancer. Identifiers: Orphanet 145, MedGen C0677776, MeSH D061325, MONDO:0003582. Disease mechanism: loss of function.
Breast-ovarian cancer, familial, susceptibility to, 1 (BROVCA1). Also called: BRCA1 Hereditary Breast and Ovarian Cancer; OVARIAN CANCER, SUSCEPTIBILITY TO. Identifiers: Orphanet 145, MedGen C2676676, MONDO:0011450, OMIM 604370. Disease mechanism: loss of function.

Allele frequency attached by ClinVar (database versions not stated): gnomAD exomes below 0.00001; TOPMed 0.00001.
gnomAD v4.1: 6 of 1,613,712 alleles (0.00037%); highest among the groups gnomAD compares: Admixed American, 0.0017%; no homozygotes.

Submissions (9):

Evidence-based Network for the Interpretation of Germline Mutant Alleles (ENIGMA)
Classification: Likely benign for Breast-ovarian cancer, familial, susceptibility to, 1. Last evaluated: 2017-06-29. Review status: reviewed by expert panel. Criteria: ENIGMA BRCA1/2 Classification Criteria (2017-06-29). Collection method: curation. Allele origin: germline.
Comment: Synonymous substitution variant, with low bioinformatic likelihood to result in a splicing aberration (Splicing prior probability 0.02).

Labcorp Genetics (formerly Invitae), Labcorp
Classification: Likely benign for Hereditary breast ovarian cancer syndrome. Last evaluated: 2026-02-02. Review status: criteria provided, single submitter. Criteria: Invitae Variant Classification Sherloc (09022015). Collection method: clinical testing. Allele origin: germline. Not counted in ClinVar's aggregate classification.

All of Us Research Program, National Institutes of Health
Classification: Likely benign for BRCA1-related cancer predisposition. Last evaluated: 2024-06-09. Review status: criteria provided, single submitter. Criteria: ACMG Guidelines, 2015. Collection method: clinical testing. Allele origin: germline. Inheritance: Autosomal dominant inheritance. Observed: 3 variant alleles, 3 heterozygotes. Not counted in ClinVar's aggregate classification.
Comment: This study involves interpretation of variants in research participants for the purpose of population health screening. Participant phenotype was not available at the time of variant classification. Additional details can be found in publication PMID: 35346344, PMCID: PMC8962531

CHEO Genetics Diagnostic Laboratory, Children's Hospital of Eastern Ontario
Classification: Likely benign for Breast and/or ovarian cancer. Last evaluated: 2020-07-03. Review status: criteria provided, single submitter. Criteria: ACMG Guidelines, 2015. Collection method: clinical testing. Allele origin: germline. Not counted in ClinVar's aggregate classification.

Ambry Genetics
Classification: Likely benign for Hereditary cancer-predisposing syndrome. Last evaluated: 2020-06-23. Review status: criteria provided, single submitter. Criteria: Ambry Variant Classification Scheme 2023. Collection method: clinical testing. Allele origin: germline. Not counted in ClinVar's aggregate classification.

Women's Health and Genetics/Laboratory Corporation of America, LabCorp
Classification: Likely benign. Last evaluated: 2019-08-21. Review status: criteria provided, single submitter. Criteria: LabCorp Variant Classification Summary - May 2015. Collection method: clinical testing. Allele origin: germline. Not counted in ClinVar's aggregate classification.

Color Diagnostics, LLC DBA Color Health
Classification: Likely benign for Hereditary cancer-predisposing syndrome. Last evaluated: 2018-02-07. Review status: criteria provided, single submitter. Criteria: ACMG Guidelines, 2015. Collection method: clinical testing. Allele origin: germline. Not counted in ClinVar's aggregate classification.

GeneDx
Classification: Likely benign. Last evaluated: 2016-07-19. Review status: criteria provided, single submitter. Criteria: GeneDx Variant Classification (06012015). Collection method: clinical testing. Allele origin: germline. Affected: yes. Not counted in ClinVar's aggregate classification.
Comment: This variant is considered likely benign or benign based on one or more of the following criteria: it is a conservative change, it occurs at a poorly conserved position in the protein, it is predicted to be benign by multiple in silico algorithms, and/or has population frequency not consistent with disease.

Counsyl
Classification: Likely benign for Breast-ovarian cancer, familial, susceptibility to, 1. Last evaluated: 2016-06-01. Review status: no assertion criteria provided. Collection method: clinical testing. Allele origin: unknown. Not counted in ClinVar's aggregate classification.

Literature cited by the submitters: PubMed 22505045 (cited by Counsyl).